The following is an entry in ClinVar:

NM_001042432.2(CLN3):c.293C>A (p.Ala98Asp)

Gene: CLN3 (CLN3 lysosomal/endosomal transmembrane protein, battenin; minus strand). Cytogenetic location: 16p12.1.
Variant type: single nucleotide variant.
Coding change: c.293C>A on transcript NM_001042432.2 (MANE Select); coding-DNA position 293, C replaced by A.
Protein change: p.Ala98Asp; replaces alanine 98 with aspartic acid.
Molecular consequence: missense variant. On other transcripts: intron variant (2).
Genome position (GRCh38, 1-based): chr16:28,488,592, G>T on the plus strand (C>A on the coding strand, the complement: CLN3 is on the minus strand). VCF-style: chr16-28488592-G-T. GRCh37 (hg19) VCF-style: chr16-28499913-G-T.
Other names: c.293C>A, p.Ala98Asp (NM_000086.2); c.73C>A, p.Leu25Ile (NM_001286105.2); c.131C>A, p.Ala44Asp (NM_001286110.2); c.60+698C>A (NM_001286109.2); c.222+698C>A (NM_001286104.2); short protein forms A44D, A98D, L25I.
Identifiers: ClinVar variation 1038914 (VCV001038914.8), dbSNP rs1361279384, ClinGen allele CA395346180.

ClinVar aggregate classification (germline): Uncertain significance (1 of 4 stars; one submission).

Conditions:
Neuronal ceroid lipofuscinosis. Also called: Neuronal Ceroid Lipofuscinoses. Identifiers: Orphanet 216, Orphanet 79263, MedGen C0027877, MONDO:0016295. Disease mechanism: loss of function.

Submission:

Labcorp Genetics (formerly Invitae), Labcorp
Classification: Uncertain significance for Neuronal ceroid lipofuscinosis. Last evaluated: 2022-08-16. Review status: criteria provided, single submitter. Criteria: Invitae Variant Classification Sherloc (09022015). Collection method: clinical testing. Allele origin: germline.
Comment: In summary, the available evidence is currently insufficient to determine the role of this variant in disease. Therefore, it has been classified as a Variant of Uncertain Significance. Algorithms developed to predict the effect of missense changes on protein structure and function are either unavailable or do not agree on the potential impact of this missense change (SIFT: "Deleterious"; PolyPhen-2: "Probably Damaging"; Align-GVGD: "Class C0"). ClinVar contains an entry for this variant (Variation ID: 1038914). This variant has not been reported in the literature in individuals affected with CLN3-related conditions. This variant is not present in population databases (gnomAD no frequency). This sequence change replaces alanine, which is neutral and non-polar, with aspartic acid, which is acidic and polar, at codon 98 of the CLN3 protein (p.Ala98Asp).